The following is an entry in ClinVar:

ClinVar aggregate classification (germline): Uncertain significance. Review status: criteria provided, multiple submitters, no conflicts (2 of 4 stars). 3 submissions from 3 submitters: Uncertain significance (3). Last evaluated 2025-01-19.

Conditions:
Congenital disorder of deglycosylation (CDDG). Identifiers: MedGen C3808991, MONDO:0031376.
Inborn genetic diseases. Identifiers: MedGen C0950123, MeSH D030342.

Allele frequency attached by ClinVar (database versions not stated): gnomAD 0.00001; ExAC 0.00002; gnomAD exomes 0.00002 and 0.00003.
gnomAD v4.1: 35 of 1,614,046 alleles (0.0022%); highest among the groups gnomAD compares: Admixed American, 0.005%; no homozygotes.

Submissions (3):

Ambry Genetics
Classification: Uncertain significance for Inborn genetic diseases. Last evaluated: 2025-01-19. Review status: criteria provided, single submitter. Criteria: Ambry Variant Classification Scheme 2023. Collection method: clinical testing. Allele origin: germline.

GeneDx
Classification: Uncertain significance. Last evaluated: 2023-01-04. Review status: criteria provided, single submitter. Criteria: GeneDx Variant Classification Process June 2021. Collection method: clinical testing. Allele origin: germline. Affected: yes.
Comment: Not observed at significant frequency in large population cohorts (gnomAD); In silico analysis supports that this missense variant has a deleterious effect on protein structure/function; Has not been previously published as pathogenic or benign to our knowledge

Labcorp Genetics (formerly Invitae), Labcorp
Classification: Uncertain significance for Congenital disorder of deglycosylation. Last evaluated: 2022-08-05. Review status: criteria provided, single submitter. Criteria: Invitae Variant Classification Sherloc (09022015). Collection method: clinical testing. Allele origin: germline.
Comment: This sequence change replaces proline, which is neutral and non-polar, with arginine, which is basic and polar, at codon 138 of the NGLY1 protein (p.Pro138Arg). This variant is present in population databases (rs746095871, gnomAD 0.009%). This variant has not been reported in the literature in individuals affected with NGLY1-related conditions. ClinVar contains an entry for this variant (Variation ID: 1313246). Algorithms developed to predict the effect of missense changes on protein structure and function (SIFT, PolyPhen-2, Align-GVGD) all suggest that this variant is likely to be tolerated. In summary, the available evidence is currently insufficient to determine the role of this variant in disease. Therefore, it has been classified as a Variant of Uncertain Significance.

NM_018297.4(NGLY1):c.413C>G (p.Pro138Arg)

Gene: NGLY1 (N-glycanase 1; minus strand). Cytogenetic location: 3p24.2.
Variant type: single nucleotide variant.
Coding change: c.413C>G on transcript NM_018297.4 (MANE Select); coding-DNA position 413, C replaced by G.
Protein change: p.Pro138Arg; replaces proline 138 with arginine.
Molecular consequence: missense variant.
Genome position (GRCh38, 1-based): chr3:25,764,145, G>C on the plus strand (C>G on the coding strand, the complement: NGLY1 is on the minus strand). VCF-style: chr3-25764145-G-C. GRCh37 (hg19) VCF-style: chr3-25805636-G-C.
Other names: c.413C>G, p.Pro138Arg (NM_001145293.2, NM_001145295.2); c.287C>G, p.Pro96Arg (NM_001145294.2); short protein forms P138R, P96R.
Identifiers: ClinVar variation 1313246 (VCV001313246.6), dbSNP rs746095871, ClinGen allele CA2289498.
Genomic context (GRCh38, chr3:25,764,145, plus strand): 5'-TCTGATGACTGCCCTTGACGGTTCCTTGTGTGCTGGTTTAACCCACTGGGATTTGAAGAT[G>C]GTGTTGTAGGAAGCTGGGTACTGGCTGCAGGTTGCTGAGATGACTTTACTTTGTGGCTCT-3'
Protein context (NP_060767.2, residues 128-148): PAASTQLPTT[Pro138Arg]SSNPSGLNQH